The following is an entry in ClinVar:

NM_001134831.2(AHI1):c.332C>G (p.Pro111Arg)

Gene: AHI1 (Abelson helper integration site 1; minus strand). Cytogenetic location: 6q23.3.
Variant type: single nucleotide variant.
Coding change: c.332C>G on transcript NM_001134831.2 (MANE Select); coding-DNA position 332, C replaced by G.
Protein change: p.Pro111Arg; replaces proline 111 with arginine.
Molecular consequence: missense variant.
Genome position (GRCh38, 1-based): chr6:135,466,231, G>C on the plus strand (C>G on the coding strand, the complement: AHI1 is on the minus strand). VCF-style: chr6-135466231-G-C. GRCh37 (hg19) VCF-style: chr6-135787369-G-C.
Other names: c.332C>G, p.Pro111Arg (NM_001134830.2, NM_001134832.2, NM_001350503.2 and 2 more transcripts); short protein forms P111R.
Identifiers: ClinVar variation 2037297 (VCV002037297.4), dbSNP rs1790733155, ClinGen allele CA365751940.

ClinVar aggregate classification (germline): Uncertain significance (1 of 4 stars; one submission).

Conditions:
Joubert syndrome. Also called: CEREBELLOPARENCHYMAL DISORDER IV; JOUBERT-BOLTSHAUSER SYNDROME; Familial aplasia of the vermis. Identifiers: Orphanet 475, MedGen C5979921, MONDO:0018772.

Allele frequency attached by ClinVar (database versions not stated): gnomAD exomes below 0.00001; TOPMed below 0.00001.
gnomAD v4.1: 1 of 1,613,880 alleles (0.000062%); highest among the groups gnomAD compares: Non-Finnish European, 0.000085%; no homozygotes.

Submission:

Labcorp Genetics (formerly Invitae), Labcorp
Classification: Uncertain significance for Joubert syndrome. Last evaluated: 2022-07-06. Review status: criteria provided, single submitter. Criteria: Invitae Variant Classification Sherloc (09022015). Collection method: clinical testing. Allele origin: germline.
Comment: Advanced modeling of protein sequence and biophysical properties (such as structural, functional, and spatial information, amino acid conservation, physicochemical variation, residue mobility, and thermodynamic stability) performed at Invitae indicates that this missense variant is not expected to disrupt AHI1 protein function. In summary, the available evidence is currently insufficient to determine the role of this variant in disease. Therefore, it has been classified as a Variant of Uncertain Significance. This sequence change replaces proline, which is neutral and non-polar, with arginine, which is basic and polar, at codon 111 of the AHI1 protein (p.Pro111Arg). This variant is not present in population databases (gnomAD no frequency). This variant has not been reported in the literature in individuals affected with AHI1-related conditions.